The following is an entry in ClinVar:

NM_004859.4(CLTC):c.2089T>A (p.Ser697Thr)

Gene: CLTC (clathrin heavy chain; plus strand). Cytogenetic location: 17q23.1.
Variant type: single nucleotide variant.
Coding change: c.2089T>A on transcript NM_004859.4 (MANE Select); coding-DNA position 2089, T replaced by A.
Protein change: p.Ser697Thr; replaces serine 697 with threonine.
Molecular consequence: missense variant.
Genome position (GRCh38, 1-based): chr17:59,666,938, T>A. VCF-style: chr17-59666938-T-A. GRCh37 (hg19) VCF-style: chr17-57744299-T-A.
Other names: c.2101T>A, p.Ser701Thr (NM_001288653.2); short protein forms S697T, S701T.
Identifiers: ClinVar variation 1715388 (VCV001715388.5), dbSNP rs2143556738, ClinGen allele CA400429177.

ClinVar aggregate classification (germline): Uncertain significance (1 of 4 stars; one submission).

Submission:

Labcorp Genetics (formerly Invitae), Labcorp
Classification: Uncertain significance. Last evaluated: 2023-12-22. Review status: criteria provided, single submitter. Criteria: Invitae Variant Classification Sherloc (09022015). Collection method: clinical testing. Allele origin: germline.
Comment: This sequence change replaces serine, which is neutral and polar, with threonine, which is neutral and polar, at codon 701 of the CLTC protein (p.Ser701Thr). This variant is not present in population databases (gnomAD no frequency). This variant has not been reported in the literature in individuals affected with CLTC-related conditions. ClinVar contains an entry for this variant (Variation ID: 1715388). Advanced modeling of protein sequence and biophysical properties (such as structural, functional, and spatial information, amino acid conservation, physicochemical variation, residue mobility, and thermodynamic stability) performed at Invitae indicates that this missense variant is not expected to disrupt CLTC protein function with a negative predictive value of 80%. In summary, the available evidence is currently insufficient to determine the role of this variant in disease. Therefore, it has been classified as a Variant of Uncertain Significance.